The following is an entry in ClinVar:

NM_000487.6(ARSA):c.811_816del (p.Gly271_Leu272del)

Gene: ARSA (arylsulfatase A; minus strand). Cytogenetic location: 22q13.33.
Variant type: Deletion.
Coding change: c.811_816del on transcript NM_000487.6 (MANE Select); coding-DNA positions 811 to 816, 6 bases deleted (GGGCTG; older notation c.811_816delGGGCTG).
Protein change: p.Gly271_Leu272del.
Molecular consequence: inframe deletion.
Genome position (GRCh38, 1-based): chr22:50,626,629-50,626,634, CAGCCC deleted on the plus strand (GGGCTG on the coding strand, the reverse complement: ARSA is on the minus strand); deleting any 6 consecutive bases within chr22:50,626,629-50,626,637 gives the same sequence; the c. name uses the placement nearest the transcript's 3' end. VCF-style (leftmost placement, unchanged base first): chr22-50626628-GCAGCCC-G. GRCh37 (hg19) VCF-style: chr22-51065056-GCAGCCC-G.
Other names: c.811_816del, p.Gly271_Leu272del (NM_001085425.3, NM_001085426.3, NM_001085427.3); c.553_558del, p.Gly185_Leu186del (NM_001085428.3, NM_001362782.2).
Identifiers: ClinVar variation 4813362 (VCV004813362.2).

ClinVar aggregate classification (germline): Conflicting classifications of pathogenicity. Review status: criteria provided, conflicting classifications (1 of 4 stars). 2 submissions from 2 submitters: Likely pathogenic (1); Uncertain significance (1). Last evaluated 2026-01-16.

Conditions:
Lysosomal storage disease. Also called: Lysosomal storage disorder. Identifiers: Orphanet 68366, MedGen C0085078, MONDO:0002561.

Submissions (2):

Genetics Laboratory, Great Ormond Street Hospital NHS Foundation Trust, North Thames Genomic Laboratory Hub
Classification: Likely pathogenic for Lysosomal storage disorder. Last evaluated: 2026-01-16. Review status: criteria provided, single submitter. Criteria: ACGS Best Practice Guidelines for Variant Classification in Rare Disease 2024 v1.2. Collection method: clinical testing. Allele origin: germline. Affected: yes.
Comment: PM2_moderate, PM4_moderate, PM3_supporting, PP4_strong

Blueprint Genetics
Classification: Uncertain significance. Last evaluated: 2021-11-30. Review status: criteria provided, single submitter. Criteria: ACMG Guidelines, 2015. Collection method: clinical testing. Allele origin: germline.